The following is an entry in ClinVar:

ClinVar aggregate classification (germline): Benign/Likely benign. Review status: criteria provided, multiple submitters, no conflicts (2 of 4 stars). 4 submissions from 4 submitters: Benign (2); Likely benign (1). 1 of the submissions does not count toward it. Last evaluated 2026-01-28.

Conditions:
BTK-related disorder. Also called: BTK-related condition.
X-linked agammaglobulinemia with growth hormone deficiency (IGHD3). Also called: AGAMMAGLOBULINEMIA AND ISOLATED GROWTH HORMONE DEFICIENCY, X-LINKED; FLEISHER SYNDROME; HYPOGAMMAGLOBULINEMIA AND ISOLATED GROWTH HORMONE DEFICIENCY, X-LINKED; IGHD III; Isolated growth hormone deficiency type 3; Growth hormone deficiency with hypogammaglobulinemia. Identifiers: Orphanet 231692, Orphanet 631, MedGen C0472813, MONDO:0010615, OMIM 307200.

Allele frequency attached by ClinVar (database versions not stated): gnomAD exomes 0.00063 and 0.00185; ExAC 0.00227; 1000 Genomes Project 30x 0.00687; 1000 Genomes Project 0.00689; gnomAD 0.00690 and 0.00738; ESP Exome Variant Server 0.00691; TOPMed 0.00855.
gnomAD v4.1: 1,498 of 1,210,264 alleles (0.12%); highest among the groups gnomAD compares: African/African-American, 2.3%; 10 homozygotes.

Submissions (4):

Labcorp Genetics (formerly Invitae), Labcorp
Classification: Benign for X-linked agammaglobulinemia with growth hormone deficiency. Last evaluated: 2026-01-28. Review status: criteria provided, single submitter. Criteria: Invitae Variant Classification Sherloc (09022015). Collection method: clinical testing. Allele origin: germline.

ARUP Laboratories, Molecular Genetics and Genomics, ARUP Laboratories
Classification: Benign. Last evaluated: 2025-05-23. Review status: criteria provided, single submitter. Criteria: ARUP Molecular Germline Variant Investigation Process 2024. Collection method: clinical testing. Allele origin: germline.

Women's Health and Genetics/Laboratory Corporation of America, LabCorp
Classification: Likely benign. Last evaluated: 2021-11-12. Review status: criteria provided, single submitter. Criteria: LabCorp Variant Classification Summary - May 2015. Collection method: clinical testing. Allele origin: germline.

PreventionGenetics, part of Exact Sciences
Classification: Benign for BTK-related condition. Last evaluated: 2019-07-31. Review status: no assertion criteria provided. Collection method: clinical testing. Allele origin: germline. Not counted in ClinVar's aggregate classification.
Comment: This variant is classified as benign based on ACMG/AMP sequence variant interpretation guidelines (Richards et al. 2015 PMID: 25741868, with internal and published modifications).

NM_000061.3(BTK):c.531T>C (p.Pro177=)

Gene: BTK (Bruton tyrosine kinase; minus strand). Cytogenetic location: Xq22.1.
Variant type: single nucleotide variant.
Coding change: c.531T>C on transcript NM_000061.3 (MANE Select); coding-DNA position 531, T replaced by C.
Protein change: p.Pro177=; no amino-acid change (proline 177 retained).
Molecular consequence: synonymous variant.
Genome position (GRCh38, 1-based): chrX:101,362,230, A>G on the plus strand (T>C on the coding strand, the complement: BTK is on the minus strand). VCF-style: chrX-101362230-A-G. GRCh37 (hg19) VCF-style: chrX-100617218-A-G.
Other names: c.633T>C, p.Pro211= (NM_001287344.2); c.531T>C, p.Pro177= (NM_001287345.2).
Identifiers: ClinVar variation 530949 (VCV000530949.16), dbSNP rs148358153, ClinGen allele CA10473155.